The following is an entry in ClinVar:

NM_001408.3(CELSR2):c.6642C>T (p.Pro2214=)

Gene: CELSR2 (cadherin EGF LAG seven-pass G-type receptor 2; plus strand). Cytogenetic location: 1p13.3.
Variant type: single nucleotide variant.
Coding change: c.6642C>T on transcript NM_001408.3 (MANE Select); coding-DNA position 6642, C replaced by T.
Protein change: p.Pro2214=; no amino-acid change (proline 2214 retained).
Molecular consequence: synonymous variant.
Genome position (GRCh38, 1-based): chr1:109,269,120, C>T. VCF-style: chr1-109269120-C-T. GRCh37 (hg19) VCF-style: chr1-109811742-C-T.
Other names: c.6642C>T (NM_001408.2).
Identifiers: ClinVar variation 2638974 (VCV002638974.26), dbSNP rs369285532, ClinGen allele CA987955.

ClinVar aggregate classification (germline): Conflicting classifications of pathogenicity. Review status: criteria provided, conflicting classifications (1 of 4 stars). 3 submissions from 3 submitters: Uncertain significance (1); Likely benign (1). 1 of the submissions does not count toward it. Last evaluated 2025-12-15.

Conditions:
CELSR2-related disorder. Also called: CELSR2-related condition.

Allele frequency attached by ClinVar (database versions not stated): ESP Exome Variant Server 0.00008; gnomAD 0.00010; gnomAD exomes 0.00010; ExAC 0.00011; TOPMed 0.00011.
gnomAD v4.1: 159 of 1,601,132 alleles (0.0099%); highest among the groups gnomAD compares: Middle Eastern, 0.066%; no homozygotes.

Submissions (3):

Labcorp Genetics (formerly Invitae), Labcorp
Classification: Uncertain significance. Last evaluated: 2025-12-15. Review status: criteria provided, single submitter. Criteria: Invitae Variant Classification Sherloc (09022015). Collection method: clinical testing. Allele origin: germline.
Comment: This sequence change affects codon 2214 of the CELSR2 mRNA. It is a 'silent' change, meaning that it does not change the encoded amino acid sequence of the CELSR2 protein. This variant is present in population databases (rs369285532, gnomAD 0.02%). This variant has not been reported in the literature in individuals affected with CELSR2-related conditions. ClinVar contains an entry for this variant (Variation ID: 2638974). Algorithms developed to predict the effect of sequence changes on RNA splicing suggest that this variant may create or strengthen a splice site. In summary, the available evidence is currently insufficient to determine the role of this variant in disease. Therefore, it has been classified as a Variant of Uncertain Significance.

CeGaT Center for Human Genetics Tuebingen
Classification: Likely benign. Last evaluated: 2022-08-01. Review status: criteria provided, single submitter. Criteria: CeGaT Center For Human Genetics Tuebingen Variant Classification Criteria Version 2. Collection method: clinical testing. Allele origin: germline. Affected: yes. Observed: 1 variant allele.
Comment: CELSR2: BP4, BP7

PreventionGenetics, part of Exact Sciences
Classification: Likely benign for CELSR2-related condition. Last evaluated: 2019-06-13. Review status: no assertion criteria provided. Collection method: clinical testing. Allele origin: germline. Not counted in ClinVar's aggregate classification.
Comment: This variant is classified as likely benign based on ACMG/AMP sequence variant interpretation guidelines (Richards et al. 2015 PMID: 25741868, with internal and published modifications).